The following is an entry in ClinVar:

NM_144666.3(DNHD1):c.1125T>C (p.Cys375=)

Gene: DNHD1 (dynein heavy chain domain 1; plus strand). Cytogenetic location: 11p15.4.
Variant type: single nucleotide variant.
Coding change: c.1125T>C on transcript NM_144666.3 (MANE Select); coding-DNA position 1125, T replaced by C.
Protein change: p.Cys375=; no amino-acid change (cysteine 375 retained).
Molecular consequence: synonymous variant.
Genome position (GRCh38, 1-based): chr11:6,509,162, T>C. VCF-style: chr11-6509162-T-C. GRCh37 (hg19) VCF-style: chr11-6530392-T-C.
Other names: c.1125T>C, p.Cys375= (NM_173589.4).
Identifiers: ClinVar variation 760706 (VCV000760706.28), dbSNP rs201933727, ClinGen allele CA5855504.
Genomic context (GRCh38, chr11:6,509,162, plus strand): 5'-GTGATTTGGGGGGAAATGGATGACAGCAACAGTATATTATCACTGACCTCTAATTTCTAG[T>C]TGGAAGAAGAATGTGAGATTACAGGGGCTGCATCGACTCCAGAAATTCCTAGAGAATCAT-3'
Protein context (NP_653267.2, residues 365-385): KYCLLRKSFT[Cys375=]WKKNVRLQGL

ClinVar aggregate classification (germline): Likely benign. Review status: criteria provided, multiple submitters, no conflicts (2 of 4 stars). 3 submissions from 3 submitters: Likely benign (2). 1 of the submissions does not count toward it. Last evaluated 2022-11-01.

Conditions:
DNHD1-related disorder. Also called: DNHD1-related condition.

Allele frequency attached by ClinVar (database versions not stated): TOPMed 0.00007; ESP Exome Variant Server 0.00008; ExAC 0.00042; 1000 Genomes Project 30x 0.00047; gnomAD exomes 0.00050; gnomAD 0.00058 and 0.00061; 1000 Genomes Project 0.00060.
gnomAD v4.1: 443 of 1,614,148 alleles (0.027%); highest among the groups gnomAD compares: Non-Finnish European, 0.011%; no homozygotes.

Submissions (3):

CeGaT Center for Human Genetics Tuebingen
Classification: Likely benign. Last evaluated: 2022-11-01. Review status: criteria provided, single submitter. Criteria: CeGaT Center For Human Genetics Tuebingen Variant Classification Criteria Version 2. Collection method: clinical testing. Allele origin: germline. Affected: yes. Observed: 1 variant allele.
Comment: DNHD1: BP4, BP7

Labcorp Genetics (formerly Invitae), Labcorp
Classification: Likely benign. Last evaluated: 2018-07-16. Review status: criteria provided, single submitter. Criteria: Invitae Variant Classification Sherloc (09022015). Collection method: clinical testing. Allele origin: germline.

PreventionGenetics, part of Exact Sciences
Classification: Likely benign for DNHD1-related condition. Last evaluated: 2020-01-17. Review status: no assertion criteria provided. Collection method: clinical testing. Allele origin: germline. Not counted in ClinVar's aggregate classification.
Comment: This variant is classified as likely benign based on ACMG/AMP sequence variant interpretation guidelines (Richards et al. 2015 PMID: 25741868, with internal and published modifications).